The following is an entry in ClinVar:

ClinVar aggregate classification (germline): Uncertain significance (1 of 4 stars; one submission).

Submission:

Ambry Genetics
Classification: Uncertain significance. Last evaluated: 2024-02-02. Review status: criteria provided, single submitter. Criteria: Ambry Variant Classification Scheme 2023. Collection method: clinical testing. Allele origin: germline.
Comment: The p.S1517G variant (also known as c.4549A>G), located in coding exon 4 of the ALPK2 gene, results from an A to G substitution at nucleotide position 4549. The serine at codon 1517 is replaced by glycine, an amino acid with similar properties. This amino acid position is conserved. In addition, this alteration is predicted to be tolerated by in silico analysis. Based on the available evidence, the clinical significance of this alteration remains unclear.

NM_052947.4(ALPK2):c.4549A>G (p.Ser1517Gly)

Genes: ALPK2 (alpha kinase 2; minus strand), LOC126862764 (BRD4-independent group 4 enhancer GRCh37_chr18:56202574-56203773; plus strand). Cytogenetic location: 18q21.31.
Variant type: single nucleotide variant.
Coding change: c.4549A>G on transcript NM_052947.4 (MANE Select); coding-DNA position 4549, A replaced by G.
Protein change: p.Ser1517Gly; replaces serine 1517 with glycine.
Molecular consequence: missense variant.
Genome position (GRCh38, 1-based): chr18:58,535,638, T>C on the plus strand (A>G on the coding strand, the complement: ALPK2 is on the minus strand). VCF-style: chr18-58535638-T-C. GRCh37 (hg19) VCF-style: chr18-56202870-T-C.
Other names: short protein forms S1517G.
Identifiers: ClinVar variation 3228748 (VCV003228748.1), dbSNP rs2518874558, ClinGen allele CA402561504.